The following is an entry in ClinVar:

NM_004958.4(MTOR):c.6279T>C (p.Asn2093=)

Gene: MTOR (mechanistic target of rapamycin kinase; minus strand). Cytogenetic location: 1p36.22.
Variant type: single nucleotide variant.
Coding change: c.6279T>C on transcript NM_004958.4 (MANE Select); coding-DNA position 6279, T replaced by C.
Protein change: p.Asn2093=; no amino-acid change (asparagine 2093 retained).
Molecular consequence: synonymous variant.
Genome position (GRCh38, 1-based): chr1:11,127,082, A>G on the plus strand (T>C on the coding strand, the complement: MTOR is on the minus strand). VCF-style: chr1-11127082-A-G. GRCh37 (hg19) VCF-style: chr1-11187139-A-G.
Other names: c.6279T>C, p.Asn2093= (NM_001386500.1); c.5031T>C, p.Asn1677= (NM_001386501.1).
Identifiers: ClinVar variation 1531395 (VCV001531395.22), dbSNP rs769391924, ClinGen allele CA589131.
Genomic context (GRCh38, chr1:11,127,082, plus strand): 5'-CTTTGAGATTCGTCGGAACACATGATAATAGAGGTCCCAGGCTTGGGTGAGGTCCTTGAC[A>G]TTCCCTGATTTCATGTACTTCCTGCACCACTCTTGGGCCTCCATTAAATCTCGACCATAG-3'
Protein context (NP_004949.1, residues 2083-2103): EWCRKYMKSG[Asn2093=]VKDLTQAWDL

ClinVar aggregate classification (germline): Likely benign. Review status: criteria provided, multiple submitters, no conflicts (2 of 4 stars). 2 submissions from 2 submitters: Likely benign (2). Last evaluated 2026-01-26.

Allele frequency attached by ClinVar (database versions not stated): gnomAD 0.00001; gnomAD exomes 0.00001 and 0.00003; ExAC 0.00002; TOPMed 0.00003.
gnomAD v4.1: 19 of 1,614,228 alleles (0.0012%); highest among the groups gnomAD compares: East Asian, 0.022%; no homozygotes.

Submissions (2):

Labcorp Genetics (formerly Invitae), Labcorp
Classification: Likely benign. Last evaluated: 2026-01-26. Review status: criteria provided, single submitter. Criteria: Invitae Variant Classification Sherloc (09022015). Collection method: clinical testing. Allele origin: germline.

CeGaT Center for Human Genetics Tuebingen
Classification: Likely benign. Last evaluated: 2024-10-01. Review status: criteria provided, single submitter. Criteria: CeGaT Center For Human Genetics Tuebingen Variant Classification Criteria Version 2. Collection method: clinical testing. Allele origin: germline. Affected: yes. Observed: 1 variant allele.
Comment: MTOR: BP4, BP7